The following is an entry in ClinVar:

NM_001267550.2(TTN):c.29227G>A (p.Gly9743Ser)

Gene: TTN (titin; minus strand). Cytogenetic location: 2q31.2.
Variant type: single nucleotide variant.
Coding change: c.29227G>A on transcript NM_001267550.2 (MANE Select); coding-DNA position 29227, G replaced by A.
Protein change: p.Gly9743Ser; replaces glycine 9743 with serine.
Molecular consequence: missense variant. On other transcripts: intron variant (3).
Genome position (GRCh38, 1-based): chr2:178,706,647, C>T on the plus strand (G>A on the coding strand, the complement: TTN is on the minus strand). VCF-style: chr2-178706647-C-T. GRCh37 (hg19) VCF-style: chr2-179571374-C-T.
Other names: c.28276G>A, p.Gly9426Ser (NM_001256850.1); c.25495G>A, p.Gly8499Ser (NM_133378.4); c.13282+31435G>A (NM_003319.4); c.13858+31435G>A (NM_133437.4); c.13657+31435G>A (NM_133432.3); short protein forms G9743S, G9426S, G8499S.
Identifiers: ClinVar variation 535240 (VCV000535240.34), dbSNP rs368073588, ClinGen allele CA1999420.

ClinVar aggregate classification (germline): Conflicting classifications of pathogenicity. Review status: criteria provided, conflicting classifications (1 of 4 stars). 4 submissions from 4 submitters: Uncertain significance (2); Likely benign (2). Last evaluated 2026-06-01.

Conditions:
Dilated cardiomyopathy 1G (CMD1G). Identifiers: Orphanet 154, MedGen C1858763, MONDO:0011400, OMIM 604145.
Autosomal recessive limb-girdle muscular dystrophy type 2J (LGMDR10). Also called: Limb-girdle muscular dystrophy, type 2J; MUSCULAR DYSTROPHY, LIMB-GIRDLE, AUTOSOMAL RECESSIVE 10. Identifiers: Orphanet 140922, MedGen C1837342, MONDO:0012127, OMIM 608807.

Allele frequency attached by ClinVar (database versions not stated): ExAC 0.00001; gnomAD 0.00001; gnomAD exomes 0.00002; TOPMed 0.00002; ESP Exome Variant Server 0.00008.
gnomAD v4.1: 31 of 1,613,814 alleles (0.0019%); highest among the groups gnomAD compares: Non-Finnish European, 0.0025%; no homozygotes.

Submissions (4):

CeGaT Center for Human Genetics Tuebingen
Classification: Uncertain significance. Last evaluated: 2026-06-01. Review status: criteria provided, single submitter. Criteria: CeGaT Center For Human Genetics Tuebingen Variant Classification Criteria Version 2. Collection method: clinical testing. Allele origin: germline. Affected: yes. Observed: 3 variant alleles.
Comment: TTN: PM2

Blueprint Genetics
Classification: Likely benign. Last evaluated: 2023-06-14. Review status: criteria provided, single submitter. Criteria: ACMG Guidelines, 2015. Collection method: clinical testing. Allele origin: germline.

GeneDx
Classification: Likely benign. Last evaluated: 2019-01-03. Review status: criteria provided, single submitter. Criteria: GeneDx Variant Classification Process June 2021. Collection method: clinical testing. Allele origin: germline. Affected: yes.

Labcorp Genetics (formerly Invitae), Labcorp
Classification: Uncertain significance for Dilated cardiomyopathy 1G; Autosomal recessive limb-girdle muscular dystrophy type 2J. Last evaluated: 2017-09-12. Review status: criteria provided, single submitter. Criteria: Invitae Variant Classification Sherloc (09022015). Collection method: clinical testing. Allele origin: germline.